The following is an entry in ClinVar:

ClinVar aggregate classification (germline): Uncertain significance (1 of 4 stars; one submission).

gnomAD v4.1: 10 of 1,602,678 alleles (0.00062%); highest among the groups gnomAD compares: African/African-American, 0.0027%; no homozygotes.

Submission:

Labcorp Genetics (formerly Invitae), Labcorp
Classification: Uncertain significance. Last evaluated: 2024-08-16. Review status: criteria provided, single submitter. Criteria: Invitae Variant Classification Sherloc (09022015). Collection method: clinical testing. Allele origin: germline.
Comment: This sequence change replaces arginine, which is basic and polar, with glutamine, which is neutral and polar, at codon 1733 of the SPTB protein (p.Arg1733Gln). This variant is present in population databases (no rsID available, gnomAD 0.004%). This variant has not been reported in the literature in individuals affected with SPTB-related conditions. An algorithm developed to predict the effect of missense changes on protein structure and function (PolyPhen-2) suggests that this variant is likely to be disruptive. In summary, the available evidence is currently insufficient to determine the role of this variant in disease. Therefore, it has been classified as a Variant of Uncertain Significance.

NM_001355436.2(SPTB):c.5198G>A (p.Arg1733Gln)

Gene: SPTB (spectrin beta, erythrocytic; minus strand). Cytogenetic location: 14q23.3.
Variant type: single nucleotide variant.
Coding change: c.5198G>A on transcript NM_001355436.2 (MANE Select); coding-DNA position 5198, G replaced by A.
Protein change: p.Arg1733Gln; replaces arginine 1733 with glutamine.
Molecular consequence: missense variant.
Genome position (GRCh38, 1-based): chr14:64,772,935, C>T on the plus strand (G>A on the coding strand, the complement: SPTB is on the minus strand). VCF-style: chr14-64772935-C-T. GRCh37 (hg19) VCF-style: chr14-65239653-C-T.
Other names: c.5198G>A, p.Arg1733Gln (NM_001024858.4, NM_001355437.2); short protein forms R1733Q.
Identifiers: ClinVar variation 3609460 (VCV003609460.2).